The following is an entry in ClinVar:

ClinVar aggregate classification (germline): Uncertain significance (1 of 4 stars; one submission).

Allele frequency attached by ClinVar (database versions not stated): gnomAD exomes 0.00001; TOPMed 0.00002.
gnomAD v4.1: 8 of 1,494,922 alleles (0.00054%); highest among the groups gnomAD compares: Non-Finnish European, 0.00073%; no homozygotes.

Submission:

Women's Health and Genetics/Laboratory Corporation of America, LabCorp
Classification: Uncertain significance. Last evaluated: 2023-08-01. Review status: criteria provided, single submitter. Criteria: LabCorp Variant Classification Summary - May 2015. Collection method: clinical testing. Allele origin: germline.
Comment: Variant summary: TRIP12 c.1986+7T>C alters a non-conserved nucleotide located close to a canonical splice site and therefore could affect mRNA splicing, leading to a significantly altered protein sequence. Computational tools predict no significant impact on normal splicing. However, these predictions have yet to be confirmed by functional studies. The variant was absent in 247364 control chromosomes (gnomAD). The available data on variant occurrences in the general population are insufficient to allow any conclusion about variant significance. To our knowledge, no occurrence of c.1986+7T>C in individuals affected with Clark-Baraitser Syndrome and no experimental evidence demonstrating its impact on protein function have been reported. No submitters have cited clinical-significance assessments for this variant to ClinVar after 2014. Based on the evidence outlined above, the variant was classified as uncertain significance.

NM_001348323.3(TRIP12):c.1986+7T>C

Gene: TRIP12 (thyroid hormone receptor interactor 12; minus strand). Cytogenetic location: 2q36.3.
Variant type: single nucleotide variant.
Coding change: c.1986+7T>C on transcript NM_001348323.3 (MANE Select); 7 bases into the intron after coding-DNA position 1986, T replaced by C.
Molecular consequence: intron variant.
Genome position (GRCh38, 1-based): chr2:229,813,863, A>G on the plus strand (T>C on the coding strand, the complement: TRIP12 is on the minus strand). VCF-style: chr2-229813863-A-G. GRCh37 (hg19) VCF-style: chr2-230678579-A-G.
Other names: c.951+7T>C (NM_001284216.2); c.1842+7T>C (NM_004238.3); c.1860+7T>C (NM_001348331.1, NM_001348317.1, NM_001284215.2 and 2 more transcripts); c.1899+7T>C (NM_001348332.1); c.1986+7T>C (NM_001284214.2, NM_001348319.1, NM_001348333.1 and 11 more transcripts).
Identifiers: ClinVar variation 2581514 (VCV002581514.1), dbSNP rs1291716411, ClinGen allele CA765881853.